The following is an entry in ClinVar:

NM_000492.4(CFTR):c.4340del (p.Val1447fs)

Genes: CFTR (CF transmembrane conductance regulator; plus strand), LOC111674477 (CFTR intron 23 enhancer; plus strand). Cytogenetic location: 7q31.2.
Variant type: Deletion.
Coding change: c.4340del on transcript NM_000492.4 (MANE Select); coding-DNA position 4340, one base deleted (T; older notation c.4340delT).
Protein change: p.Val1447fs; shifts the reading frame from valine 1447.
Molecular consequence: frameshift variant.
Genome position (GRCh38, 1-based): chr7:117,667,005, T deleted. VCF-style (leftmost placement, unchanged base first): chr7-117667004-GT-G. GRCh37 (hg19) VCF-style: chr7-117307058-GT-G.
Other names: short protein forms V1447fs.
Identifiers: ClinVar variation 1070544 (VCV001070544.10), dbSNP rs2116226496, ClinGen allele CA2499218697.
Genomic context (GRCh38, chr7:117,667,004, plus strand): 5'-ATCCAGAAACTGCTGAACGAGAGGAGCCTCTTCCGGCAAGCCATCAGCCCCTCCGACAGG[GT>G]GAAGCTCTTTCCCCACCGGAACTCAAGCAAGTGCAAGTCTAAGCCCCAGATTGCTGCTCT-3'

ClinVar aggregate classification (germline): Pathogenic/Likely pathogenic. Review status: criteria provided, multiple submitters, no conflicts (2 of 4 stars). 2 submissions from 2 submitters: Pathogenic (1); Likely pathogenic (1). Last evaluated 2022-12-19.

Conditions:
Bronchiectasis with or without elevated sweat chloride 1 (BESC1). Also called: Cystic Fibrosis-Like Syndrome. Identifiers: Orphanet 60033, MedGen C2749757, MONDO:0008887, OMIM 211400.
Cystic fibrosis (CF). Also called: MUCOVISCIDOSIS. Identifiers: Orphanet 586, MedGen C0010674, MONDO:0009061, OMIM 219700. Disease mechanism: loss of function.

Submissions (2):

Baylor Genetics
Classification: Likely pathogenic for Bronchiectasis with or without elevated sweat chloride 1. Last evaluated: 2022-12-19. Review status: criteria provided, single submitter. Criteria: ACMG Guidelines, 2015. Collection method: clinical testing. Allele origin: unknown.

Labcorp Genetics (formerly Invitae), Labcorp
Classification: Pathogenic for Cystic fibrosis. Last evaluated: 2020-06-01. Review status: criteria provided, single submitter. Criteria: Invitae Variant Classification Sherloc (09022015). Collection method: clinical testing. Allele origin: germline.
Comment: For these reasons, this variant has been classified as Pathogenic. This variant disrupts the C-terminus of the CFTR protein. Other variant(s) that disrupt this region (p.Gln1476*) have been determined to be pathogenic (PMID: 11938439, 22020151, 30444886). This suggests that variants that disrupt this region of the protein are likely to be causative of disease. This sequence change results in a premature translational stop signal in the CFTR gene (p.Val1447Glyfs*21). While this is not anticipated to result in nonsense mediated decay, it is expected to disrupt the last 34 amino acids of the CFTR protein. This variant is not present in population databases (ExAC no frequency). This variant has not been reported in the literature in individuals with CFTR-related conditions.

Literature cited by the submitters: PubMed 11938439 (cited by Labcorp Genetics (formerly Invitae), Labcorp); PubMed 22020151 (cited by Labcorp Genetics (formerly Invitae), Labcorp); PubMed 30444886 (cited by Labcorp Genetics (formerly Invitae), Labcorp).